The following is an entry in ClinVar:

NM_004565.3(PEX14):c.585G>A (p.Lys195=)

Genes: PEX14 (peroxisomal biogenesis factor 14; plus strand), LOC126805616 (CDK7 strongly-dependent group 2 enhancer GRCh37_chr1:10683990-10685189; plus strand). Cytogenetic location: 1p36.22.
Variant type: single nucleotide variant.
Coding change: c.585G>A on transcript NM_004565.3 (MANE Select); coding-DNA position 585, G replaced by A.
Protein change: p.Lys195=; no amino-acid change (lysine 195 retained).
Molecular consequence: synonymous variant.
Genome position (GRCh38, 1-based): chr1:10,624,437, G>A. VCF-style: chr1-10624437-G-A. GRCh37 (hg19) VCF-style: chr1-10684494-G-A.
Identifiers: ClinVar variation 1914902 (VCV001914902.2), dbSNP rs2521881535, ClinGen allele CA415886034.
Genomic context (GRCh38, chr1:10,624,437, plus strand): 5'-GCTGCTGATTCAGCAGCAGCAGAAGATCCAGGAGCTTGCCCACGAGCTGGCCGCTGCCAA[G>A]GTACCTGTCTCTGCTGCACAGGGCCCTCCAGGCCCAGGTCTGTCCCATGTGCCCTTCACT-3'
Protein context (NP_004556.1, residues 185-205): QELAHELAAA[Lys195=]ATTSTNWILE

ClinVar aggregate classification (germline): Uncertain significance (1 of 4 stars; one submission).

Conditions:
Peroxisome biogenesis disorder, complementation group K (CGK). Identifiers: MedGen C1866257, MONDO:0800365.

Submission:

Labcorp Genetics (formerly Invitae), Labcorp
Classification: Uncertain significance for Peroxisome biogenesis disorder, complementation group K. Last evaluated: 2021-04-28. Review status: criteria provided, single submitter. Criteria: Invitae Variant Classification Sherloc (09022015). Collection method: clinical testing. Allele origin: germline.
Comment: This sequence change affects codon 195 of the PEX14 mRNA. It is a 'silent' change, meaning that it does not change the encoded amino acid sequence of the PEX14 protein. This variant also falls at the last nucleotide of exon 7, which is part of the consensus splice site for this exon. This variant is not present in population databases (ExAC no frequency). This variant has not been reported in the literature in individuals with PEX14-related conditions. Nucleotide substitutions within the consensus splice site are a relatively common cause of aberrant splicing (PMID: 17576681, 9536098). Algorithms developed to predict the effect of sequence changes on RNA splicing suggest that this variant may disrupt the consensus splice site, but this prediction has not been confirmed by published transcriptional studies. In summary, the available evidence is currently insufficient to determine the role of this variant in disease. Therefore, it has been classified as a Variant of Uncertain Significance.

Literature cited by the submitters: PubMed 17576681; PubMed 9536098.